The following is an entry in ClinVar:

NM_014633.5(CTR9):c.101T>C (p.Leu34Pro)

Gene: CTR9 (CTR9 homolog, Paf1/RNA polymerase II complex component; plus strand). Cytogenetic location: 11p15.4.
Variant type: single nucleotide variant.
Coding change: c.101T>C on transcript NM_014633.5 (MANE Select); coding-DNA position 101, T replaced by C.
Protein change: p.Leu34Pro; replaces leucine 34 with proline.
Molecular consequence: missense variant.
Genome position (GRCh38, 1-based): chr11:10,752,727, T>C. VCF-style: chr11-10752727-T-C. GRCh37 (hg19) VCF-style: chr11-10774274-T-C.
Other names: c.101T>C, p.Leu34Pro (NM_001346279.2); short protein forms L34P.
Identifiers: ClinVar variation 3376834 (VCV003376834.1).

ClinVar aggregate classification (germline): Uncertain significance (1 of 4 stars; one submission).

Conditions:
Neurodevelopmental disorder. Identifiers: MedGen C1535926, MeSH D065886, MONDO:0700092.

Submission:

Victorian Clinical Genetics Services, Murdoch Childrens Research Institute
Classification: Uncertain significance for Neurodevelopmental disorder. Last evaluated: 2024-09-22. Review status: criteria provided, single submitter. Criteria: ACMG Guidelines, 2015. Collection method: clinical testing. Allele origin: germline. Inheritance: Autosomal dominant inheritance. Affected: yes.
Comment: Based on the classification scheme VCGS_Germline_v1.3.4, this variant is classified as VUS-3A. Following criteria are met: 0102 - Loss of function is a known mechanism of disease in this gene and is associated with familial Wilms tumour (MONDO:0006058), CTR9-related. The mechanism for neurodevelopmental disorder (MONDO:0700092), CTR9-related, is currently unestablished. While gain of function is suggested based on in vitro assays, animal modelling disputes this (PMID: 35717577). (I) 0107 - This gene is associated with autosomal dominant disease. (I) 0112 - The condition associated with this gene has incomplete penetrance, specifically in familial Wilms tumour (MONDO:0006058), CTR9-related. (I) 0200 - Variant is predicted to result in a missense amino acid change from leucine to proline. (I) 0251 - This variant is heterozygous. (I) 0301 - Variant is absent from gnomAD (both v2 and v3). (SP) 0501 - Missense variant consistently predicted to be damaging by multiple in silico tools or highly conserved with a major amino acid change. (SP) 0603 - Missense variant in a region that is highly intolerant to missense variation (high constraint region in DECIPHER). (SP) 0705 - No comparable missense variants have previous evidence for pathogenicity. (I) 0807 - This variant has no previous evidence of pathogenicity. (I) 0905 - No published segregation evidence has been identified for this variant. (I) 1007 - No published functional evidence has been identified for this variant. (I) 1208 - Inheritance information for this variant is not currently available in this individual. (I) Legend: (SP) - Supporting pathogenic, (I) - Information, (SB) - Supporting benign

Literature cited by the submitters: PubMed 35717577.